The following is an entry in ClinVar:

ClinVar aggregate classification (germline): Uncertain significance (1 of 4 stars; one submission).

Conditions:
Developmental and epileptic encephalopathy, 34 (DEE34). Also called: Early infantile epileptic encephalopathy 34; SLC12A5-Related Epilepsy of Infancy with Migrating Focal Seizures. Identifiers: Orphanet 293181, MedGen C4225257, MONDO:0014718, OMIM 616645.

Allele frequency attached by ClinVar (database versions not stated): gnomAD exomes below 0.00001; ExAC 0.00001.
gnomAD v4.1: 2 of 1,614,086 alleles (0.00012%); highest among the groups gnomAD compares: Non-Finnish European, 0.00017%; no homozygotes.

Submission:

Labcorp Genetics (formerly Invitae), Labcorp
Classification: Uncertain significance for Developmental and epileptic encephalopathy, 34. Last evaluated: 2019-07-14. Review status: criteria provided, single submitter. Criteria: Invitae Variant Classification Sherloc (09022015). Collection method: clinical testing. Allele origin: germline.
Comment: In summary, the available evidence is currently insufficient to determine the role of this variant in disease. Therefore, it has been classified as a Variant of Uncertain Significance. Algorithms developed to predict the effect of missense changes on protein structure and function (SIFT, PolyPhen-2, Align-GVGD) all suggest that this variant is likely to be tolerated, but these predictions have not been confirmed by published functional studies and their clinical significance is uncertain. This variant has not been reported in the literature in individuals with SLC12A5-related conditions. This variant is present in population databases (rs758760799, ExAC 0.002%). This sequence change replaces isoleucine with threonine at codon 126 of the SLC12A5 protein (p.Ile126Thr). The isoleucine residue is moderately conserved and there is a moderate physicochemical difference between isoleucine and threonine.

NM_020708.5(SLC12A5):c.377T>C (p.Ile126Thr)

Gene: SLC12A5 (solute carrier family 12 member 5; plus strand). Cytogenetic location: 20q13.12.
Variant type: single nucleotide variant.
Coding change: c.377T>C on transcript NM_020708.5 (MANE Select); coding-DNA position 377, T replaced by C.
Protein change: p.Ile126Thr; replaces isoleucine 126 with threonine.
Molecular consequence: missense variant.
Genome position (GRCh38, 1-based): chr20:46,035,874, T>C. VCF-style: chr20-46035874-T-C. GRCh37 (hg19) VCF-style: chr20-44664513-T-C.
Other names: c.446T>C, p.Ile149Thr (NM_001134771.2); short protein forms I126T, I149T.
Identifiers: ClinVar variation 951876 (VCV000951876.10), dbSNP rs758760799, ClinGen allele CA9887046.